The following is an entry in ClinVar:

ClinVar aggregate classification (germline): Benign/Likely benign. Review status: criteria provided, multiple submitters, no conflicts (2 of 4 stars). 3 submissions from 3 submitters: Benign (1); Likely benign (2). Last evaluated 2024-04-04.

Conditions:
Familial adenomatous polyposis 1 (FAP1). Also called: FAMILIAL ADENOMATOUS POLYPOSIS 1, ATTENUATED; POLYPOSIS, ADENOMATOUS INTESTINAL. Identifiers: MedGen C2713442, MONDO:0021056, OMIM 175100. Disease mechanism: loss of function.
Hereditary cancer-predisposing syndrome. Also called: Neoplastic Syndromes, Hereditary; Tumor predisposition; Hereditary Cancer Syndrome; Hereditary neoplastic syndrome. Identifiers: Orphanet 140162, MedGen C0027672, MeSH D009386, MONDO:0015356.

Submissions (3):

Myriad Genetics, Inc.
Classification: Benign for Familial adenomatous polyposis 1. Last evaluated: 2024-04-04. Review status: criteria provided, single submitter. Criteria: Myriad Autosomal Dominant, Autosomal Recessive and X-Linked Classification Criteria (2023). Collection method: clinical testing. Allele origin: unknown.
Comment: This variant is considered benign. This variant is a silent/synonymous amino acid change and it is not expected to impact splicing.

Ambry Genetics
Classification: Likely benign for Hereditary cancer-predisposing syndrome. Last evaluated: 2022-09-24. Review status: criteria provided, single submitter. Criteria: Ambry Variant Classification Scheme 2023. Collection method: clinical testing. Allele origin: germline.

Color Diagnostics, LLC DBA Color Health
Classification: Likely benign for Hereditary cancer-predisposing syndrome. Last evaluated: 2019-05-07. Review status: criteria provided, single submitter. Criteria: ACMG Guidelines, 2015. Collection method: clinical testing. Allele origin: germline.

NM_000038.6(APC):c.6366A>C (p.Ala2122=)

Gene: APC (APC regulator of Wnt signaling pathway; plus strand). Cytogenetic location: 5q22.2.
Variant type: single nucleotide variant.
Coding change: c.6366A>C on transcript NM_000038.6 (MANE Select); coding-DNA position 6366, A replaced by C.
Protein change: p.Ala2122=; no amino-acid change (alanine 2122 retained).
Molecular consequence: synonymous variant.
Genome position (GRCh38, 1-based): chr5:112,841,960, A>C. VCF-style: chr5-112841960-A-C. GRCh37 (hg19) VCF-style: chr5-112177657-A-C.
Other names: c.6366A>C, p.Ala2122= (NM_001127510.3, NM_001354895.2); c.6312A>C, p.Ala2104= (NM_001127511.3); c.6420A>C, p.Ala2140= (NM_001354896.2); c.6396A>C, p.Ala2132= (NM_001354897.2); c.6291A>C, p.Ala2097= (NM_001354898.2); c.6282A>C, p.Ala2094= (NM_001354899.2); c.6243A>C, p.Ala2081= (NM_001354900.2); c.6189A>C, p.Ala2063= (NM_001354901.2); and 5 more.
Identifiers: ClinVar variation 924658 (VCV000924658.5), dbSNP rs370948574, ClinGen allele CA446210371.
Genomic context (GRCh38, chr5:112,841,960, plus strand): 5'-AGCTATTCAGGAAGGTGCAAATTCCATAGTAAGTAGTTTACATCAAGCTGCTGCTGCTGC[A>C]TGTTTATCTAGACAAGCTTCGTCTGATTCAGATTCCATCCTTTCCCTGAAATCAGGAATC-3'
Protein context (NP_000029.2, residues 2112-2132): VSSLHQAAAA[Ala2122=]CLSRQASSDS